The following is an entry in ClinVar:

NM_000188.3(HK1):c.2333C>T (p.Thr778Ile)

Gene: HK1 (hexokinase 1; plus strand). Cytogenetic location: 10q22.1.
Variant type: single nucleotide variant.
Coding change: c.2333C>T on transcript NM_000188.3 (MANE Select); coding-DNA position 2333, C replaced by T.
Protein change: p.Thr778Ile; replaces threonine 778 with isoleucine.
Molecular consequence: missense variant.
Genome position (GRCh38, 1-based): chr10:69,395,063, C>T. VCF-style: chr10-69395063-C-T. GRCh37 (hg19) VCF-style: chr10-71154819-C-T.
Other names: c.2333C>T (NM_000188.2); c.2345C>T, p.Thr782Ile (NM_001322364.2, NM_001358263.1, NM_033497.3 and 1 more transcripts); c.2438C>T, p.Thr813Ile (NM_001322365.2); c.2249C>T, p.Thr750Ile (NM_001322366.1); c.2237C>T, p.Thr746Ile (NM_001322367.1); c.2330C>T, p.Thr777Ile (NM_033496.3); c.2297C>T, p.Thr766Ile (NM_033500.2); short protein forms T766I, T778I, T782I, T746I, T750I, T777I, T813I.
Identifiers: ClinVar variation 2751440 (VCV002751440.4), dbSNP rs2540470944, ClinGen allele CA376916085.

ClinVar aggregate classification (germline): Uncertain significance. Review status: criteria provided, multiple submitters, no conflicts (2 of 4 stars). 2 submissions from 2 submitters: Uncertain significance (2). Last evaluated 2024-07-01.

Submissions (2):

Revvity Omics, Revvity
Classification: Uncertain significance. Last evaluated: 2024-07-01. Review status: criteria provided, single submitter. Criteria: ACMG Guidelines, 2015. Collection method: clinical testing. Allele origin: germline.

Labcorp Genetics (formerly Invitae), Labcorp
Classification: Uncertain significance. Last evaluated: 2023-08-09. Review status: criteria provided, single submitter. Criteria: Invitae Variant Classification Sherloc (09022015). Collection method: clinical testing. Allele origin: germline.
Comment: In summary, the available evidence is currently insufficient to determine the role of this variant in disease. Therefore, it has been classified as a Variant of Uncertain Significance. Advanced modeling of protein sequence and biophysical properties (such as structural, functional, and spatial information, amino acid conservation, physicochemical variation, residue mobility, and thermodynamic stability) performed at Invitae indicates that this missense variant is not expected to disrupt HK1 protein function. This variant has not been reported in the literature in individuals affected with HK1-related conditions. This variant is not present in population databases (gnomAD no frequency). This sequence change replaces threonine, which is neutral and polar, with isoleucine, which is neutral and non-polar, at codon 778 of the HK1 protein (p.Thr778Ile).